The following is an entry in ClinVar:

ClinVar aggregate classification (germline): Pathogenic (1 of 4 stars; one submission).

Submission:

Labcorp Genetics (formerly Invitae), Labcorp
Classification: Pathogenic. Last evaluated: 2024-02-25. Review status: criteria provided, single submitter. Criteria: Invitae Variant Classification Sherloc (09022015). Collection method: clinical testing. Allele origin: germline.
Comment: This sequence change creates a premature translational stop signal (p.Leu1425Profs*28) in the ITGB4 gene. It is expected to result in an absent or disrupted protein product. Loss-of-function variants in ITGB4 are known to be pathogenic (PMID: 11328943, 16473856). This variant is not present in population databases (gnomAD no frequency). This variant has not been reported in the literature in individuals affected with ITGB4-related conditions. For these reasons, this variant has been classified as Pathogenic.

Literature cited by the submitters: PubMed 11328943; PubMed 16473856.

NM_000213.5(ITGB4):c.4484_4487del (p.Leu1495fs)

Genes: GALK1 (galactokinase 1; minus strand), ITGB4 (integrin subunit beta 4; plus strand). Cytogenetic location: 17q25.1.
Variant type: Deletion.
Coding change: c.4484_4487del on transcript NM_000213.5 (MANE Select); coding-DNA positions 4484 to 4487, 4 bases deleted (TGAC; older notation c.4484_4487delTGAC).
Protein change: p.Leu1495fs; shifts the reading frame from leucine 1495.
Molecular consequence: frameshift variant. On other transcripts: intron variant (1).
Genome position (GRCh38, 1-based): chr17:75,754,741-75,754,744, TGAC deleted; deleting any 4 consecutive bases within chr17:75,754,739-75,754,744 gives the same sequence; the c. name uses the placement nearest the transcript's 3' end. VCF-style (leftmost placement, unchanged base first): chr17-75754738-CACTG-C. GRCh37 (hg19) VCF-style: chr17-73750819-CACTG-C.
Other names: c.4274_4277del, p.Leu1425fs (NM_001005619.2, NM_001005731.3, NM_001321123.2 and 1 more transcripts); c.*23-3005_*23-3002del (NM_001381985.1); short protein forms L1425fs, L1495fs.
Identifiers: ClinVar variation 2769093 (VCV002769093.3), dbSNP rs2545868804, ClinGen allele CA2697555140.